The following is an entry in ClinVar:

ClinVar aggregate classification (germline): Pathogenic (1 of 4 stars; one submission).

Conditions:
Deficiency of aromatic-L-amino-acid decarboxylase. Also called: Aromatic L-Amino Acid Decarboxylase Deficiency; Aromatic amino acid decarboxylase deficiency; AADC DEFICIENCY; DDC DEFICIENCY; DOPA DECARBOXYLASE DEFICIENCY. Identifiers: Orphanet 35708, MedGen C1291564, MONDO:0012084, OMIM 608643.

Submission:

Labcorp Genetics (formerly Invitae), Labcorp
Classification: Pathogenic for Deficiency of aromatic-L-amino-acid decarboxylase. Last evaluated: 2025-12-18. Review status: criteria provided, single submitter. Criteria: Invitae Variant Classification Sherloc (09022015). Collection method: clinical testing. Allele origin: germline.
Comment: This sequence change creates a premature translational stop signal (p.Tyr332*) in the DDC gene. It is expected to result in an absent or disrupted protein product. Loss-of-function variants in DDC are known to be pathogenic (PMID: 15079002, 24788355). This variant is not present in population databases (gnomAD no frequency). This variant has not been reported in the literature in individuals affected with DDC-related conditions. For these reasons, this variant has been classified as Pathogenic.

Literature cited by the submitters: PubMed 15079002; PubMed 24788355.

NM_001082971.2(DDC):c.996C>G (p.Tyr332Ter)

Gene: DDC (dopa decarboxylase; minus strand). Cytogenetic location: 7p12.2.
Variant type: single nucleotide variant.
Coding change: c.996C>G on transcript NM_001082971.2 (MANE Select); coding-DNA position 996, C replaced by G.
Protein change: p.Tyr332Ter; replaces tyrosine 332 with a stop codon.
Molecular consequence: nonsense.
Genome position (GRCh38, 1-based): chr7:50,479,812, G>C on the plus strand (C>G on the coding strand, the complement: DDC is on the minus strand). VCF-style: chr7-50479812-G-C. GRCh37 (hg19) VCF-style: chr7-50547510-G-C.
Other names: c.996C>G, p.Tyr332Ter (NM_000790.4); c.882C>G, p.Tyr294Ter (NM_001242886.2); c.852C>G, p.Tyr284Ter (NM_001242887.2); c.762C>G, p.Tyr254Ter (NM_001242888.2); c.717C>G, p.Tyr239Ter (NM_001242889.2); short protein forms Y239*, Y254*, Y284*, Y294*, Y332*.
Identifiers: ClinVar variation 4803546 (VCV004803546.1).